The following is an entry in ClinVar:

ClinVar aggregate classification (germline): Uncertain significance. Review status: criteria provided, multiple submitters, no conflicts (2 of 4 stars). 2 submissions from 2 submitters: Uncertain significance (2). Last evaluated 2022-12-14.

Conditions:
Hereditary cancer-predisposing syndrome. Also called: Neoplastic Syndromes, Hereditary; Hereditary Cancer Syndrome; Hereditary neoplastic syndrome; Tumor predisposition. Identifiers: Orphanet 140162, MedGen C0027672, MeSH D009386, MONDO:0015356.
Tumor predisposition syndrome 3 (TPDS3). Also called: Glioma susceptibility 9; LONG TELOMERE SYNDROME, POT1-RELATED; POT1 Tumor Predisposition; Melanoma, cutaneous malignant, susceptibility to, 10. Identifiers: Orphanet 618, MedGen C4014476, MONDO:0014368, OMIM 615848.

Submissions (2):

Ambry Genetics
Classification: Uncertain significance for Hereditary cancer-predisposing syndrome. Last evaluated: 2022-12-14. Review status: criteria provided, single submitter. Criteria: Ambry Variant Classification Scheme 2023. Collection method: clinical testing. Allele origin: germline.
Comment: The p.M560L variant (also known as c.1678A>T), located in coding exon 13 of the POT1 gene, results from an A to T substitution at nucleotide position 1678. The methionine at codon 560 is replaced by leucine, an amino acid with highly similar properties. This amino acid position is conserved. In addition, this alteration is predicted to be tolerated by in silico analysis. Since supporting evidence is limited at this time, the clinical significance of this alteration remains unclear.

Labcorp Genetics (formerly Invitae), Labcorp
Classification: Uncertain significance for Tumor predisposition syndrome 3. Last evaluated: 2022-05-06. Review status: criteria provided, single submitter. Criteria: Invitae Variant Classification Sherloc (09022015). Collection method: clinical testing. Allele origin: germline.
Comment: In summary, the available evidence is currently insufficient to determine the role of this variant in disease. Therefore, it has been classified as a Variant of Uncertain Significance. Algorithms developed to predict the effect of missense changes on protein structure and function (SIFT, PolyPhen-2, Align-GVGD) all suggest that this variant is likely to be tolerated. ClinVar contains an entry for this variant (Variation ID: 1007606). This variant has not been reported in the literature in individuals affected with POT1-related conditions. This variant is not present in population databases (gnomAD no frequency). This sequence change replaces methionine, which is neutral and non-polar, with leucine, which is neutral and non-polar, at codon 560 of the POT1 protein (p.Met560Leu).

NM_015450.3(POT1):c.1678A>T (p.Met560Leu)

Gene: POT1 (protection of telomeres 1; minus strand). Cytogenetic location: 7q31.33.
Variant type: single nucleotide variant.
Coding change: c.1678A>T on transcript NM_015450.3 (MANE Select); coding-DNA position 1678, A replaced by T.
Protein change: p.Met560Leu; replaces methionine 560 with leucine.
Molecular consequence: missense variant. On other transcripts: non-coding transcript variant (3).
Genome position (GRCh38, 1-based): chr7:124,827,222, T>A on the plus strand (A>T on the coding strand, the complement: POT1 is on the minus strand). VCF-style: chr7-124827222-T-A. GRCh37 (hg19) VCF-style: chr7-124467276-T-A.
Other names: c.1678A>T (NM_015450.2); c.1285A>T, p.Met429Leu (NM_001042594.2); short protein forms M429L, M560L.
Identifiers: ClinVar variation 1007606 (VCV001007606.10), dbSNP rs1351302431, ClinGen allele CA369062860.
Genomic context (GRCh38, chr7:124,827,222, plus strand): 5'-TTTTAAATATTATTTTTTAATTAAAAATATCTTTATTACCTCTGATACTTACAGAATCCA[T>A]GAGATAGGCTTCTAGTACTCCTGTTCCATCATCAAGTGTAAAGGTCATAACAAACACATA-3'
Protein context (NP_056265.2, residues 550-570): DGTGVLEAYL[Met560Leu]DSDKFFQIPA